The following is an entry in ClinVar:

ClinVar aggregate classification (germline): Pathogenic (1 of 4 stars; one submission).

Conditions:
Primary ciliary dyskinesia 28. Also called: CILIARY DYSKINESIA, PRIMARY, 28, WITH OR WITHOUT SITUS INVERSUS. Identifiers: Orphanet 244, MedGen C3809706, MONDO:0014216, OMIM 615505.

Allele frequency attached by ClinVar (database versions not stated): ExAC 0.00001; gnomAD 0.00001; gnomAD exomes 0.00001 and 0.00002.
gnomAD v4.1: 10 of 1,613,064 alleles (0.00062%); highest among the groups gnomAD compares: Non-Finnish European, 0.00085%; no homozygotes.

Submission:

Labcorp Genetics (formerly Invitae), Labcorp
Classification: Pathogenic for Primary ciliary dyskinesia 28. Last evaluated: 2023-08-10. Review status: criteria provided, single submitter. Criteria: Invitae Variant Classification Sherloc (09022015). Collection method: clinical testing. Allele origin: germline.
Comment: Algorithms developed to predict the effect of sequence changes on RNA splicing suggest that this variant may disrupt the consensus splice site. This sequence change creates a premature translational stop signal (p.Gln555*) in the SPAG1 gene. It is expected to result in an absent or disrupted protein product. Loss-of-function variants in SPAG1 are known to be pathogenic (PMID: 24055112). This variant is present in population databases (rs770251775, gnomAD 0.005%). This variant has not been reported in the literature in individuals affected with SPAG1-related conditions. ClinVar contains an entry for this variant (Variation ID: 648143). For these reasons, this variant has been classified as Pathogenic.

Literature cited by the submitters: PubMed 24055112.

NM_003114.5(SPAG1):c.1663C>T (p.Gln555Ter)

Gene: SPAG1 (sperm associated antigen 1; plus strand). Cytogenetic location: 8q22.2.
Variant type: single nucleotide variant.
Coding change: c.1663C>T on transcript NM_003114.5 (MANE Select); coding-DNA position 1663, C replaced by T.
Protein change: p.Gln555Ter; replaces glutamine 555 with a stop codon.
Molecular consequence: nonsense.
Genome position (GRCh38, 1-based): chr8:100,220,406, C>T. VCF-style: chr8-100220406-C-T. GRCh37 (hg19) VCF-style: chr8-101232634-C-T.
Other names: c.1663C>T, p.Gln555Ter (NM_001374321.1, NM_172218.3); short protein forms Q555*.
Identifiers: ClinVar variation 648143 (VCV000648143.8), dbSNP rs770251775, ClinGen allele CA4827557.